The following is an entry in ClinVar:

ClinVar aggregate classification (germline): Likely benign. Review status: criteria provided, multiple submitters, no conflicts (2 of 4 stars). 2 submissions from 2 submitters: Likely benign (2). Last evaluated 2023-12-01.

Allele frequency attached by ClinVar (database versions not stated): ExAC 0.00003; gnomAD exomes 0.00003; gnomAD 0.00005 and 0.00006; TOPMed 0.00006.
gnomAD v4.1: 37 of 1,613,398 alleles (0.0023%); highest among the groups gnomAD compares: Middle Eastern, 0.016%; no homozygotes.

Submissions (2):

CeGaT Center for Human Genetics Tuebingen
Classification: Likely benign. Last evaluated: 2023-12-01. Review status: criteria provided, single submitter. Criteria: CeGaT Center For Human Genetics Tuebingen Variant Classification Criteria Version 2. Collection method: clinical testing. Allele origin: germline. Affected: yes. Observed: 1 variant allele.
Comment: RERE: BP4, BP7

Labcorp Genetics (formerly Invitae), Labcorp
Classification: Likely benign. Last evaluated: 2022-05-30. Review status: criteria provided, single submitter. Criteria: Invitae Variant Classification Sherloc (09022015). Collection method: clinical testing. Allele origin: germline.

NM_001042681.2(RERE):c.4224G>A (p.Ser1408=)

Gene: RERE (arginine-glutamic acid dipeptide repeats; minus strand). Cytogenetic location: 1p36.23.
Variant type: single nucleotide variant.
Coding change: c.4224G>A on transcript NM_001042681.2 (MANE Select); coding-DNA position 4224, G replaced by A.
Protein change: p.Ser1408=; no amino-acid change (serine 1408 retained).
Molecular consequence: synonymous variant.
Genome position (GRCh38, 1-based): chr1:8,358,311, C>T on the plus strand (G>A on the coding strand, the complement: RERE is on the minus strand). VCF-style: chr1-8358311-C-T. GRCh37 (hg19) VCF-style: chr1-8418371-C-T.
Other names: c.2562G>A, p.Ser854= (NM_001042682.2); c.4224G>A, p.Ser1408= (NM_012102.4).
Identifiers: ClinVar variation 773388 (VCV000773388.29), dbSNP rs773957558, ClinGen allele CA570865.
Genomic context (GRCh38, chr1:8,358,311, plus strand): 5'-CTGGTGATGGTGCGGAGTCACGTTGAACATCTGCAGTCGGGCCAGGGGATCGCTGGTCAG[C>T]GATGCCATGCGCTCTGCGTGGATACGCTCGGCTGCCAGTCTGTCAGGGTAGCTCATCTCG-3'
Protein context (NP_001036146.1, residues 1398-1418): AERIHAERMA[Ser1408=]LTSDPLARLQ